The following is an entry in ClinVar:

NM_003743.5(NCOA1):c.4286C>G (p.Ala1429Gly)

Gene: NCOA1 (nuclear receptor coactivator 1; plus strand). Cytogenetic location: 2p23.3.
Variant type: single nucleotide variant.
Coding change: c.4286C>G on transcript NM_003743.5 (MANE Select); coding-DNA position 4286, C replaced by G.
Protein change: p.Ala1429Gly; replaces alanine 1429 with glycine.
Molecular consequence: missense variant. On other transcripts: 3 prime UTR variant (5).
Genome position (GRCh38, 1-based): chr2:24,768,351, C>G. VCF-style: chr2-24768351-C-G. GRCh37 (hg19) VCF-style: chr2-24991220-C-G.
Other names: c.*143C>G (NM_001362950.1, NM_001362952.1, NM_001362955.1 and 1 more transcripts); c.*140C>G (NM_001362954.1); c.4283C>G, p.Ala1428Gly (NM_147233.2); short protein forms A1428G, A1429G.
Identifiers: ClinVar variation 4987975 (VCV004987975.1).

ClinVar aggregate classification (germline): Uncertain significance (1 of 4 stars; one submission).

Conditions:
NCOA1-related disorder. Also called: NCOA1-related condition.

gnomAD v4.1: 3 of 1,613,118 alleles (0.00019%); highest among the groups gnomAD compares: Non-Finnish European, 0.00025%; no homozygotes.

Submission:

PreventionGenetics, part of Exact Sciences
Classification: Uncertain significance for NCOA1-related condition. Last evaluated: 2025-07-10. Review status: criteria provided, single submitter. Criteria: ACMG Guidelines, 2015. Collection method: clinical testing. Allele origin: germline.
Comment: The NCOA1 c.4286C>G variant is predicted to result in the amino acid substitution p.Ala1429Gly. To our knowledge, this variant has not been reported in the literature. This variant is reported in 0.00088% of alleles in individuals of European (Non-Finnish) descent in gnomAD. At this time, the clinical significance of this variant is uncertain due to the absence of conclusive functional and genetic evidence.